The following is an entry in ClinVar:

NM_000275.3(OCA2):c.85G>A (p.Ala29Thr)

Gene: OCA2 (OCA2 melanosomal transmembrane protein; minus strand). Cytogenetic location: 15q13.1.
Variant type: single nucleotide variant.
Coding change: c.85G>A on transcript NM_000275.3 (MANE Select); coding-DNA position 85, G replaced by A.
Protein change: p.Ala29Thr; replaces alanine 29 with threonine.
Molecular consequence: missense variant.
Genome position (GRCh38, 1-based): chr15:28,081,790, C>T on the plus strand (G>A on the coding strand, the complement: OCA2 is on the minus strand). VCF-style: chr15-28081790-C-T. GRCh37 (hg19) VCF-style: chr15-28326936-C-T.
Other names: c.85G>A, p.Ala29Thr (NM_001300984.2); short protein forms A29T.
Identifiers: ClinVar variation 315477 (VCV000315477.6), dbSNP rs759291231, ClinGen allele CA7439589.

ClinVar aggregate classification (germline): Uncertain significance. Review status: criteria provided, multiple submitters, no conflicts (2 of 4 stars). 2 submissions from 2 submitters: Uncertain significance (2). Last evaluated 2022-09-06.

Conditions:
Tyrosinase-positive oculocutaneous albinism (OCA2). Also called: Oculocutaneous albinism type 2; Albinism, oculocutaneous, type II; ALBINISM II. Identifiers: Orphanet 79432, MedGen C0268495, MONDO:0008746, OMIM 203200.

Allele frequency attached by ClinVar (database versions not stated): gnomAD exomes 0.00002; ExAC 0.00003; gnomAD 0.00004 and 0.00005; TOPMed 0.00004.
gnomAD v4.1: 107 of 1,612,840 alleles (0.0066%); highest among the groups gnomAD compares: African/African-American, 0.0093%; no homozygotes.

Submissions (2):

Labcorp Genetics (formerly Invitae), Labcorp
Classification: Uncertain significance. Last evaluated: 2022-09-06. Review status: criteria provided, single submitter. Criteria: Invitae Variant Classification Sherloc (09022015). Collection method: clinical testing. Allele origin: germline.
Comment: This sequence change replaces alanine, which is neutral and non-polar, with threonine, which is neutral and polar, at codon 29 of the OCA2 protein (p.Ala29Thr). This variant is present in population databases (rs759291231, gnomAD 0.01%). This variant has not been reported in the literature in individuals affected with OCA2-related conditions. ClinVar contains an entry for this variant (Variation ID: 315477). Advanced modeling of protein sequence and biophysical properties (such as structural, functional, and spatial information, amino acid conservation, physicochemical variation, residue mobility, and thermodynamic stability) performed at Invitae indicates that this missense variant is not expected to disrupt OCA2 protein function. In summary, the available evidence is currently insufficient to determine the role of this variant in disease. Therefore, it has been classified as a Variant of Uncertain Significance.

Illumina Laboratory Services, Illumina
Classification: Uncertain significance for Tyrosinase-positive oculocutaneous albinism. Last evaluated: 2018-01-12. Review status: criteria provided, single submitter. Criteria: ICSL Variant Classification Criteria 13 December 2019. Collection method: clinical testing. Allele origin: germline.